The following is an entry in ClinVar:

NM_177438.3(DICER1):c.4818T>G (p.Thr1606=)

Gene: DICER1 (dicer 1, ribonuclease III; minus strand). Cytogenetic location: 14q32.13.
Variant type: single nucleotide variant.
Coding change: c.4818T>G on transcript NM_177438.3 (MANE Select); coding-DNA position 4818, T replaced by G.
Protein change: p.Thr1606=; no amino-acid change (threonine 1606 retained).
Molecular consequence: synonymous variant.
Genome position (GRCh38, 1-based): chr14:95,096,102, A>C on the plus strand (T>G on the coding strand, the complement: DICER1 is on the minus strand). VCF-style: chr14-95096102-A-C. GRCh37 (hg19) VCF-style: chr14-95562439-A-C.
Other names: c.4818T>G, p.Thr1606= (NM_001195573.1, NM_001271282.3, NM_001291628.2 and 1 more transcripts).
Identifiers: ClinVar variation 1658020 (VCV001658020.12), dbSNP rs927933800, ClinGen allele CA265897882.

ClinVar aggregate classification (germline): Benign/Likely benign. Review status: criteria provided, multiple submitters, no conflicts (2 of 4 stars). 3 submissions from 3 submitters: Benign (1); Likely benign (2). Last evaluated 2026-08-17.

Conditions:
DICER1-related tumor predisposition. Also called: DICER1-related pleuropulmonary blastoma cancer predisposition syndrome; DICER1 syndrome. Identifiers: Orphanet 284343, MedGen C3839822, MONDO:0100216.
Hereditary cancer-predisposing syndrome. Also called: Neoplastic Syndromes, Hereditary; Tumor predisposition; Hereditary Cancer Syndrome; Hereditary neoplastic syndrome. Identifiers: Orphanet 140162, MedGen C0027672, MeSH D009386, MONDO:0015356.

Allele frequency attached by ClinVar (database versions not stated): TOPMed below 0.00001.

Submissions (3):

Myriad Genetics, Inc.
Classification: Benign for DICER1-related tumor predisposition. Last evaluated: 2026-08-17. Review status: criteria provided, single submitter. Criteria: Myriad Autosomal Dominant, Autosomal Recessive and X-Linked Classification Criteria (2023). Collection method: clinical testing. Allele origin: unknown.
Comment: This variant is considered benign. This variant is a silent/synonymous amino acid change and it is not expected to impact splicing.

Labcorp Genetics (formerly Invitae), Labcorp
Classification: Likely benign for DICER1-related tumor predisposition. Last evaluated: 2024-11-16. Review status: criteria provided, single submitter. Criteria: Invitae Variant Classification Sherloc (09022015). Collection method: clinical testing. Allele origin: germline.

Ambry Genetics
Classification: Likely benign for Hereditary cancer-predisposing syndrome. Last evaluated: 2020-07-31. Review status: criteria provided, single submitter. Criteria: Ambry Variant Classification Scheme 2023. Collection method: clinical testing. Allele origin: germline.